The following is an entry in ClinVar:

ClinVar aggregate classification (germline): Likely benign. Review status: reviewed by expert panel (3 of 4 stars). 4 submissions from 4 submitters: Likely benign (1). 3 of the submissions do not count toward it. Last evaluated 2017-06-29.

Conditions:
Hereditary breast ovarian cancer syndrome. Also called: Hereditary breast and ovarian cancer; Hereditary breast and ovarian cancer syndrome; Breast and ovarian cancer; Hereditary breast and ovarian cancer syndrome (HBOC); Hereditary breast and/or ovarian cancer syndrome; BRCA1- and BRCA2-Associated Hereditary Breast and Ovarian Cancer. Identifiers: Orphanet 145, MedGen C0677776, MeSH D061325, MONDO:0003582. Disease mechanism: loss of function.
Hereditary cancer-predisposing syndrome. Also called: Hereditary Cancer Syndrome; Neoplastic Syndromes, Hereditary; Tumor predisposition; Hereditary neoplastic syndrome. Identifiers: Orphanet 140162, MedGen C0027672, MeSH D009386, MONDO:0015356.
Breast-ovarian cancer, familial, susceptibility to, 2 (BROVCA2). Also called: BRCA2 Hereditary Breast and Ovarian Cancer. Identifiers: Orphanet 145, MedGen C2675520, MONDO:0012933, OMIM 612555. Disease mechanism: loss of function.

Allele frequency attached by ClinVar (database versions not stated): gnomAD exomes below 0.00001.
gnomAD v4.1: 1 of 1,613,468 alleles (0.000062%); highest among the groups gnomAD compares: African/African-American, 0.0013%; no homozygotes.

Submissions (4):

Evidence-based Network for the Interpretation of Germline Mutant Alleles (ENIGMA)
Classification: Likely benign for Breast-ovarian cancer, familial, susceptibility to, 2. Last evaluated: 2017-06-29. Review status: reviewed by expert panel. Criteria: ENIGMA BRCA1/2 Classification Criteria (2017-06-29). Collection method: curation. Allele origin: germline.
Comment: Synonymous substitution variant, with low bioinformatic likelihood to result in a splicing aberration (Splicing prior probability 0.02).

Labcorp Genetics (formerly Invitae), Labcorp
Classification: Likely benign for Hereditary breast ovarian cancer syndrome. Last evaluated: 2025-10-05. Review status: criteria provided, single submitter. Criteria: Invitae Variant Classification Sherloc (09022015). Collection method: clinical testing. Allele origin: germline. Not counted in ClinVar's aggregate classification.

Women's Health and Genetics/Laboratory Corporation of America, LabCorp
Classification: Likely benign. Last evaluated: 2024-07-25. Review status: criteria provided, single submitter. Criteria: LabCorp Variant Classification Summary - May 2015. Collection method: clinical testing. Allele origin: germline. Not counted in ClinVar's aggregate classification.

Ambry Genetics
Classification: Likely benign for Hereditary cancer-predisposing syndrome. Last evaluated: 2014-11-26. Review status: criteria provided, single submitter. Criteria: Ambry Variant Classification Scheme 2023. Collection method: clinical testing. Allele origin: germline. Not counted in ClinVar's aggregate classification.

NM_000059.4(BRCA2):c.8901A>G (p.Thr2967=)

Gene: BRCA2 (BRCA2 DNA repair associated; plus strand). Cytogenetic location: 13q13.1.
Variant type: single nucleotide variant.
Coding change: c.8901A>G on transcript NM_000059.4 (MANE Select); coding-DNA position 8901, A replaced by G.
Protein change: p.Thr2967=; no amino-acid change (threonine 2967 retained).
Molecular consequence: synonymous variant.
Genome position (GRCh38, 1-based): chr13:32,379,463, A>G. VCF-style: chr13-32379463-A-G. GRCh37 (hg19) VCF-style: chr13-32953600-A-G.
Identifiers: ClinVar variation 187319 (VCV000187319.17), dbSNP rs786203637, ClinGen allele CA025863.